The following is an entry in ClinVar:

ClinVar aggregate classification (germline): Uncertain significance. Review status: criteria provided, multiple submitters, no conflicts (2 of 4 stars). 3 submissions from 3 submitters: Uncertain significance (3). Last evaluated 2025-05-20.

Conditions:
Inborn genetic diseases. Identifiers: MedGen C0950123, MeSH D030342.
Blepharophimosis - intellectual disability syndrome, SBBYS type (SBBYSS). Also called: Ohdo syndrome, SBBYS variant; SBBYSS syndrome; Say-Barber-Biesecker-Young-Simpson syndrome; Say-Barber-Biesecker-Young-Simpson variant of Ohdo Syndrome; Say-Barber-Biesecker Variant of Ohdo Syndrome; Say-Barber-Biesecker variant of Ohdo syndrome (SBBYSS). Identifiers: Orphanet 3047, MedGen C1863557, MONDO:0011365, OMIM 603736.
Genitopatellar syndrome (GTPTS). Also called: ABSENT PATELLAE, SCROTAL HYPOPLASIA, RENAL ANOMALIES, FACIAL DYSMORPHISM, AND MENTAL RETARDATION; Genitopatellar syndrome (GPS). Identifiers: Orphanet 85201, MedGen C1853566, MONDO:0011640, OMIM 606170.

gnomAD v4.1: 15 of 1,613,922 alleles (0.00093%); highest among the groups gnomAD compares: Non-Finnish European, 0.0012%; no homozygotes.

Submissions (3):

Ambry Genetics
Classification: Uncertain significance for Inborn genetic diseases. Last evaluated: 2025-05-20. Review status: criteria provided, single submitter. Criteria: Ambry Variant Classification Scheme 2023. Collection method: clinical testing. Allele origin: germline.

Labcorp Genetics (formerly Invitae), Labcorp
Classification: Uncertain significance for Genitopatellar syndrome. Last evaluated: 2024-09-27. Review status: criteria provided, single submitter. Criteria: Invitae Variant Classification Sherloc (09022015). Collection method: clinical testing. Allele origin: germline.
Comment: This sequence change replaces leucine, which is neutral and non-polar, with serine, which is neutral and polar, at codon 399 of the KAT6B protein (p.Leu399Ser). This variant is present in population databases (no rsID available, gnomAD no frequency). This variant has not been reported in the literature in individuals affected with KAT6B-related conditions. Invitae Evidence Modeling of protein sequence and biophysical properties (such as structural, functional, and spatial information, amino acid conservation, physicochemical variation, residue mobility, and thermodynamic stability) indicates that this missense variant is not expected to disrupt KAT6B protein function with a negative predictive value of 80%. In summary, the available evidence is currently insufficient to determine the role of this variant in disease. Therefore, it has been classified as a Variant of Uncertain Significance.

Fulgent Genetics
Classification: Uncertain significance for Blepharophimosis - intellectual disability syndrome, SBBYS type; Genitopatellar syndrome. Last evaluated: 2024-02-29. Review status: criteria provided, single submitter. Criteria: ACMG Guidelines, 2015. Collection method: clinical testing. Allele origin: germline.

NM_012330.4(KAT6B):c.1196T>C (p.Leu399Ser)

Gene: KAT6B (lysine acetyltransferase 6B; plus strand). Cytogenetic location: 10q22.2.
Variant type: single nucleotide variant.
Coding change: c.1196T>C on transcript NM_012330.4 (MANE Select); coding-DNA position 1196, T replaced by C.
Protein change: p.Leu399Ser; replaces leucine 399 with serine.
Molecular consequence: missense variant. On other transcripts: intron variant (11).
Genome position (GRCh38, 1-based): chr10:74,975,533, T>C. VCF-style: chr10-74975533-T-C. GRCh37 (hg19) VCF-style: chr10-76735291-T-C.
Other names: c.1196T>C (NM_012330.2); c.1196T>C, p.Leu399Ser (NM_001256468.2, NM_001370136.1, NM_001370137.1 and 1 more transcripts); c.1117+79T>C (NM_001370139.1, NM_001370140.1, NM_001370141.1 and 3 more transcripts); c.846+5758T>C (NM_001370133.1); c.193-3691T>C (NM_001370134.1); c.929-1783T>C (NM_001370143.1, NM_001370144.1); c.193-13486T>C (NM_001370135.1); short protein forms L399S.
Identifiers: ClinVar variation 3597428 (VCV003597428.4).